The following is an entry in ClinVar:

NM_017721.5(CC2D1A):c.1561A>G (p.Lys521Glu)

Gene: CC2D1A (coiled-coil and C2 domain containing 1A; plus strand). Cytogenetic location: 19p13.12.
Variant type: single nucleotide variant.
Coding change: c.1561A>G on transcript NM_017721.5 (MANE Select); coding-DNA position 1561, A replaced by G.
Protein change: p.Lys521Glu; replaces lysine 521 with glutamic acid.
Molecular consequence: missense variant.
Genome position (GRCh38, 1-based): chr19:13,920,842, A>G. VCF-style: chr19-13920842-A-G. GRCh37 (hg19) VCF-style: chr19-14031655-A-G.
Other names: short protein forms K521E.
Identifiers: ClinVar variation 210595 (VCV000210595.9), dbSNP rs797045435, ClinGen allele CA206728.

ClinVar aggregate classification (germline): Uncertain significance. Review status: criteria provided, multiple submitters, no conflicts (2 of 4 stars). 3 submissions from 3 submitters: Uncertain significance (2). 1 of the submissions does not count toward it. Last evaluated 2019-05-30.

Conditions:
CC2D1A-related disorder. Also called: CC2D1A-related condition.

Submissions (3):

GeneDx
Classification: Uncertain significance. Last evaluated: 2019-05-30. Review status: criteria provided, single submitter. Criteria: GeneDx Variant Classification Process June 2021. Collection method: clinical testing. Allele origin: germline. Affected: yes.
Comment: Not observed in large population cohorts (Lek et al., 2016); In silico analysis, which includes protein predictors and evolutionary conservation, supports a deleterious effect; Has not been previously published as pathogenic or benign to our knowledge

Genetic Services Laboratory, University of Chicago
Classification: Uncertain significance. Last evaluated: 2014-10-20. Review status: criteria provided, single submitter. Criteria: ACMG Guidelines, 2015. Collection method: clinical testing. Allele origin: germline.

PreventionGenetics, part of Exact Sciences
Classification: Uncertain significance for CC2D1A-related condition. Last evaluated: 2024-06-27. Review status: no assertion criteria provided. Collection method: clinical testing. Allele origin: germline. Not counted in ClinVar's aggregate classification.
Comment: The CC2D1A c.1561A>G variant is predicted to result in the amino acid substitution p.Lys521Glu. To our knowledge, this variant has not been reported in the literature or in a large population database, indicating this variant is rare. At this time, the clinical significance of this variant is uncertain due to the absence of conclusive functional and genetic evidence.